The following is an entry in ClinVar:

NM_000601.6(HGF):c.992C>T (p.Ser331Phe)

Gene: HGF (hepatocyte growth factor; minus strand). Cytogenetic location: 7q21.11.
Variant type: single nucleotide variant.
Coding change: c.992C>T on transcript NM_000601.6 (MANE Select); coding-DNA position 992, C replaced by T.
Protein change: p.Ser331Phe; replaces serine 331 with phenylalanine.
Molecular consequence: missense variant.
Genome position (GRCh38, 1-based): chr7:81,729,653, G>A on the plus strand (C>T on the coding strand, the complement: HGF is on the minus strand). VCF-style: chr7-81729653-G-A. GRCh37 (hg19) VCF-style: chr7-81358969-G-A.
Other names: c.977C>T, p.Ser326Phe (NM_001010932.3); short protein forms S326F, S331F.
Identifiers: ClinVar variation 3390701 (VCV003390701.1).

ClinVar aggregate classification (germline): Uncertain significance (1 of 4 stars; one submission).

Submission:

GeneDx
Classification: Uncertain significance. Last evaluated: 2024-06-10. Review status: criteria provided, single submitter. Criteria: GeneDx Variant Classification Process June 2021. Collection method: clinical testing. Allele origin: germline. Affected: yes.
Comment: Not observed at significant frequency in large population cohorts (gnomAD); In silico analysis supports that this missense variant has a deleterious effect on protein structure/function; Has not been previously published as pathogenic or benign to our knowledge